The following is an entry in ClinVar:

ClinVar aggregate classification (germline): Uncertain significance (1 of 4 stars; one submission).

Conditions:
Inborn genetic diseases. Identifiers: MedGen C0950123, MeSH D030342.

gnomAD v4.1: 1 of 1,613,956 alleles (0.000062%); highest among the groups gnomAD compares: Non-Finnish European, 0.000085%; no homozygotes.

Submission:

Ambry Genetics
Classification: Uncertain significance for Inborn genetic diseases. Last evaluated: 2025-12-04. Review status: criteria provided, single submitter. Criteria: Ambry Variant Classification Scheme 2023. Collection method: clinical testing. Allele origin: germline.
Comment: The c.2054G>T (p.G685V) alteration is located in exon 15 (coding exon 15) of the SOX5 gene. This alteration results from a G to T substitution at nucleotide position 2054, causing the glycine (G) at amino acid position 685 to be replaced by a valine (V). Based on data from gnomAD, the T allele has an overall frequency of <0.001% (1/250912) total alleles studied. The highest observed frequency was 0.001% (1/113372) of European (non-Finnish) alleles. Based on insufficient or conflicting evidence, the clinical significance of this alteration remains unclear.

NM_006940.6(SOX5):c.2054G>T (p.Gly685Val)

Gene: SOX5 (SRY-box transcription factor 5; minus strand). Cytogenetic location: 12p12.1.
Variant type: single nucleotide variant.
Coding change: c.2054G>T on transcript NM_006940.6 (MANE Select); coding-DNA position 2054, G replaced by T.
Protein change: p.Gly685Val; replaces glycine 685 with valine.
Molecular consequence: missense variant.
Genome position (GRCh38, 1-based): chr12:23,534,457, C>A on the plus strand (G>T on the coding strand, the complement: SOX5 is on the minus strand). VCF-style: chr12-23534457-C-A. GRCh37 (hg19) VCF-style: chr12-23687391-C-A.
Other names: c.1691G>T, p.Gly564Val (NM_001261414.3); c.2024G>T, p.Gly675Val (NM_001261415.3); c.1949G>T, p.Gly650Val (NM_001330785.2); c.2015G>T, p.Gly672Val (NM_152989.5); c.896G>T, p.Gly299Val (NM_178010.4); short protein forms G564V, G650V, G299V, G672V, G675V, G685V.
Identifiers: ClinVar variation 4631877 (VCV004631877.1).